The following is an entry in ClinVar:

ClinVar aggregate classification (germline): Likely pathogenic. Review status: criteria provided, multiple submitters, no conflicts (2 of 4 stars). 4 submissions from 4 submitters: Likely pathogenic (4). Last evaluated 2026-01-20.

Conditions:
alpha Thalassemia. Also called: Alpha thalassemia spectrum. Identifiers: Orphanet 846, MedGen C0002312, MONDO:0011399, OMIM 604131.
Hemoglobin H disease (HBH). Also called: Hemoglobin H (HbH) Disease; ALPHA-THALASSEMIA, HEMOGLOBIN H TYPE; HEMOGLOBIN H DISEASE, DELETIONAL. Identifiers: Orphanet 93616, MedGen C3161174, MONDO:0013512, OMIM 613978. Disease mechanism: loss of function.
Erythrocytosis, familial, 7. Also called: ERYTHROCYTOSIS 7; POLYCYTHEMIA, ALPHA-GLOBIN TYPE; ERYTHROCYTOSIS, ALPHA-GLOBIN TYPE. Identifiers: MedGen C4693823, MONDO:0054802, OMIM 617981.
Heinz body anemia. Also called: Heinz body hemolytic anemia. Identifiers: Orphanet 178330, MedGen C0700299, MONDO:0007705, OMIM 140700, HP:0005511.
Methemoglobinemia, alpha type. Identifiers: MedGen C4693798, MONDO:0020835, OMIM 617973.

Allele frequency attached by ClinVar (database versions not stated): gnomAD exomes 0.00002; ExAC 0.00015.
gnomAD v4.1: 10 of 1,592,806 alleles (0.00063%); highest among the groups gnomAD compares: South Asian, 0.0022%; no homozygotes.

Submissions (4):

Natera, Inc.
Classification: Likely pathogenic for Alpha thalassemia. Last evaluated: 2026-01-20. Review status: criteria provided, single submitter. Criteria: Natera Variant Classification Schema (03/2026). Collection method: clinical testing. Allele origin: germline.
Comment: The c.300+1G>A variant in HBA1 is a canonical splice donor site variant predicted to affect pre-mRNA splicing, which may result in an abnormal transcript and altered protein product. This variant is expected to result in nonsense mediated decay, truncation, or a dysfunctional protein product. This variant is rare in the general population with a frequency below the threshold expected for the associated phenotype(s). Given the available evidence, this variant is classified as Likely Pathogenic.

Fulgent Genetics
Classification: Likely pathogenic for Heinz body anemia; alpha Thalassemia; Hemoglobin H disease; Methemoglobinemia, alpha type; Erythrocytosis, familial, 7. Last evaluated: 2024-02-13. Review status: criteria provided, single submitter. Criteria: ACMG Guidelines, 2015. Collection method: clinical testing. Allele origin: germline.

ARUP Laboratories, Molecular Genetics and Genomics, ARUP Laboratories
Classification: Likely pathogenic. Last evaluated: 2024-01-05. Review status: criteria provided, single submitter. Criteria: ARUP Molecular Germline Variant Investigation Process 2024. Collection method: clinical testing. Allele origin: germline.
Comment: The HBA1 c.300+1G>A variant (also known as IVS2-1 G>A, rs758093235) is reported in the literature in an individual affected with mild hemolytic anemia (Farashi 2016). This variant is reported in ClinVar (Variation ID: 2502312). This variant is only observed on six alleles in the Genome Aggregation Database (v2.1.1), indicating it is not a common polymorphism. This variant disrupts the canonical splice donor site of intron two, which is likely to negatively impact gene function. Based on available information, this variant is considered to be likely pathogenic. References: Farashi S et al. Identification of Mutations Causing Aberrant Termination and Deficient Splice Donor Site on the HBA1 Gene. Hemoglobin. 2016;40(1):38-43. PMID: 26531168.

Lifecell International Pvt. Ltd
Classification: Likely pathogenic for Erythrocytosis, familial, 7. Review status: criteria provided, single submitter. Criteria: ACMG Guidelines, 2015. Collection method: clinical testing. Allele origin: germline. Inheritance: Autosomal dominant inheritance. Affected: yes. Observed: 1 heterozygote.
Comment: A Heterozygous, Splice site donor variant c.300+1G>A in Exon 2 of the HBA1 gene that results in the amino acid substitution was identified. The observed variant has a minor allele frequency of 0.00003% in gnomAD exomes and genomes, respectively. The severity of the impact of this variant on the protein is high, based on the effect of the protein and REVEL score. Rare Exome Variant Ensemble Learner (REVEL) is an ensembl method for predicting the pathogenicity of missense variants based on a combination of scores from 13 individual tools: MutPred, FATHMM v2.3, VEST 3.0, PolyPhen-2, SIFT, PROVEAN, MutationAssessor, MutationTaster, LRT, GERP++, SiPhy, phyloP, and phastCons. The REVEL score for an individual missense variant can range from 0 to 1, with higher scores reflecting greater likelihood that the variant is disease-causing. Based on the above evidence this variant has been classified as Likely Pathogenic according to the ACMG guidelines.

NM_000558.5(HBA1):c.300+1G>A

Genes: HBA1 (hemoglobin subunit alpha 1; plus strand), LOC106804613 (hemoglobin subunit alpha 1 recombination region; plus strand). Cytogenetic location: 16p13.3.
Variant type: single nucleotide variant.
Coding change: c.300+1G>A on transcript NM_000558.5 (MANE Select); the canonical splice donor site of the intron after coding-DNA position 300, G replaced by A.
Molecular consequence: splice donor variant.
Genome position (GRCh38, 1-based): chr16:177,134, G>A. VCF-style: chr16-177134-G-A. GRCh37 (hg19) VCF-style: chr16-227133-G-A.
Other names: c.300+1G>A (NM_000558.4).
Identifiers: ClinVar variation 2502312 (VCV002502312.4), dbSNP rs758093235, ClinGen allele CA7770254.